The following is an entry in ClinVar:

NM_016284.5(CNOT1):c.3283A>G (p.Ile1095Val)

Gene: CNOT1 (CCR4-NOT transcription complex subunit 1; minus strand). Cytogenetic location: 16q21.
Variant type: single nucleotide variant.
Coding change: c.3283A>G on transcript NM_016284.5 (MANE Select); coding-DNA position 3283, A replaced by G.
Protein change: p.Ile1095Val; replaces isoleucine 1095 with valine.
Molecular consequence: missense variant. On other transcripts: non-coding transcript variant (1).
Genome position (GRCh38, 1-based): chr16:58,551,191, T>C on the plus strand (A>G on the coding strand, the complement: CNOT1 is on the minus strand). VCF-style: chr16-58551191-T-C. GRCh37 (hg19) VCF-style: chr16-58585095-T-C.
Other names: c.3268A>G, p.Ile1090Val (NM_001265612.2); c.3283A>G, p.Ile1095Val (NM_206999.3); short protein forms I1090V, I1095V.
Identifiers: ClinVar variation 1971518 (VCV001971518.5), dbSNP rs372106946, ClinGen allele CA8089474.

ClinVar aggregate classification (germline): Uncertain significance (1 of 4 stars; one submission).

Allele frequency attached by ClinVar (database versions not stated): gnomAD exomes below 0.00001; TOPMed below 0.00001; ExAC 0.00001; ESP Exome Variant Server 0.00008.
gnomAD v4.1: 5 of 1,610,864 alleles (0.00031%); highest among the groups gnomAD compares: Non-Finnish European, 0.00042%; no homozygotes.

Submission:

Labcorp Genetics (formerly Invitae), Labcorp
Classification: Uncertain significance. Last evaluated: 2021-12-24. Review status: criteria provided, single submitter. Criteria: Invitae Variant Classification Sherloc (09022015). Collection method: clinical testing. Allele origin: germline.
Comment: In summary, the available evidence is currently insufficient to determine the role of this variant in disease. Therefore, it has been classified as a Variant of Uncertain Significance. Algorithms developed to predict the effect of missense changes on protein structure and function output the following: SIFT: "Tolerated"; PolyPhen-2: "Benign"; Align-GVGD: "Class C0". The valine amino acid residue is found in multiple mammalian species, which suggests that this missense change does not adversely affect protein function. This variant has not been reported in the literature in individuals affected with CNOT1-related conditions. This variant is present in population databases (rs372106946, gnomAD 0.0009%). This sequence change replaces isoleucine, which is neutral and non-polar, with valine, which is neutral and non-polar, at codon 1090 of the CNOT1 protein (p.Ile1090Val).